The following is an entry in ClinVar:

NM_201378.4(PLEC):c.71-11843C>T

Gene: PLEC (plectin; minus strand). Cytogenetic location: 8q24.3.
Variant type: single nucleotide variant.
Coding change: c.71-11843C>T on transcript NM_201378.4 (MANE Plus Clinical); 11843 bases into the intron before coding-DNA position 71, C replaced by T.
Molecular consequence: intron variant. On other transcripts: missense variant (1).
Genome position (GRCh38, 1-based): chr8:143,950,535, G>A on the plus strand (C>T on the coding strand, the complement: PLEC is on the minus strand). VCF-style: chr8-143950535-G-A. GRCh37 (hg19) VCF-style: chr8-145024703-G-A.
Other names: c.172C>T, p.Arg58Trp (NM_201380.4); c.194-11843C>T (NM_001410941.1, NM_000445.5); c.46+3191C>T (NM_201379.3); short protein forms R58W.
Identifiers: ClinVar variation 4981536 (VCV004981536.1).

ClinVar aggregate classification (germline): Uncertain significance (1 of 4 stars; one submission).

Conditions:
PLEC-related disorder. Also called: PLEC-related condition; PLEC-related disorders.

gnomAD v4.1: 68 of 1,607,398 alleles (0.0042%); highest among the groups gnomAD compares: East Asian, 0.0067%; no homozygotes.

Submission:

PreventionGenetics, part of Exact Sciences
Classification: Uncertain significance for PLEC-related condition. Last evaluated: 2025-12-26. Review status: criteria provided, single submitter. Criteria: ACMG Guidelines, 2015. Collection method: clinical testing. Allele origin: germline.
Comment: The PLEC c.172C>T variant is predicted to result in the amino acid substitution p.Arg58Trp. This variant is intronic in an alternative transcript NM_000445:c.194-11843C>T. To our knowledge, this variant has not been reported in the literature. This variant is reported in 0.011% of alleles in individuals of European (Non-Finnish) descent in gnomAD. At this time, the clinical significance of this variant is uncertain due to the absence of conclusive functional and genetic evidence.